The following is an entry in ClinVar:

NM_001046.3(SLC12A2):c.309_311dup (p.Ala107_Gly108insAla)

Gene: SLC12A2 (solute carrier family 12 member 2; plus strand). Cytogenetic location: 5q23.3.
Variant type: Duplication.
Coding change: c.309_311dup on transcript NM_001046.3 (MANE Select); coding-DNA positions 309 to 311, 3 bases duplicated (AGC; older notation c.309_311dupAGC).
Protein change: p.Ala107_Gly108insAla.
Molecular consequence: inframe insertion. On other transcripts: non-coding transcript variant (1).
Genome position (GRCh38, 1-based): chr5:128,084,263-128,084,265, AGC duplicated; duplicating any 3 consecutive bases within chr5:128,084,261-128,084,265 gives the same sequence; the c. name uses the placement nearest the transcript's 3' end. VCF-style (leftmost placement, unchanged base first): chr5-128084260-G-GGCA. GRCh37 (hg19) VCF-style: chr5-127419952-G-GGCA.
Other names: c.309_311dupAGC (NM_001046.2); c.309_311dup, p.Ala107_Gly108insAla (NM_001256461.2).
Identifiers: ClinVar variation 2711650 (VCV002711650.4), dbSNP rs1759966445, ClinGen allele CA1081346946.
Genomic context (GRCh38, chr5:128,084,260, plus strand): 5'-GGTGGACCTGGTTTCCGAGAACGCCGGGCGGGCCGCTGCTGCGGCGGCGGCGGCGGCGGC[G>GGCA]GCAGCGGCGGCGGCTGGTGCTGGGGCGGGGGCCAAGCAGACCCCCGCGGACGGGGAAGCC-3'

ClinVar aggregate classification (germline): Uncertain significance. Review status: criteria provided, multiple submitters, no conflicts (2 of 4 stars). 2 submissions from 2 submitters: Uncertain significance (2). Last evaluated 2026-09-02.

Conditions:
SLC12A2-related disorder. Also called: SLC12A2-related condition; SLC12A2-related disorders.

Submissions (2):

PreventionGenetics, part of Exact Sciences
Classification: Uncertain significance for SLC12A2-related condition. Last evaluated: 2026-09-02. Review status: criteria provided, single submitter. Criteria: ACMG Guidelines, 2015. Collection method: clinical testing. Allele origin: germline.
Comment: The SLC12A2 c.309_311dupAGC variant is predicted to result in an in-frame duplication (p.Ala107dup). To our knowledge, this variant has not been reported in the literature or in a large population database (gnomAD), indicating this variant is rare. At this time, the clinical significance of this variant is uncertain due to the absence of conclusive functional and genetic evidence.

Labcorp Genetics (formerly Invitae), Labcorp
Classification: Uncertain significance. Last evaluated: 2024-01-22. Review status: criteria provided, single submitter. Criteria: Invitae Variant Classification Sherloc (09022015). Collection method: clinical testing. Allele origin: germline.
Comment: This variant, c.309_311dup, results in the insertion of 1 amino acid(s) of the SLC12A2 protein (p.Ala107dup), but otherwise preserves the integrity of the reading frame. This variant is not present in population databases (gnomAD no frequency). This variant has not been reported in the literature in individuals affected with SLC12A2-related conditions. In summary, the available evidence is currently insufficient to determine the role of this variant in disease. Therefore, it has been classified as a Variant of Uncertain Significance.